The following is an entry in ClinVar:

NM_001003800.2(BICD2):c.453+212A>G

Gene: BICD2 (BICD cargo adaptor 2; minus strand). Cytogenetic location: 9q22.31.
Variant type: single nucleotide variant.
Coding change: c.453+212A>G on transcript NM_001003800.2 (MANE Select); 212 bases into the intron after coding-DNA position 453, A replaced by G.
Molecular consequence: intron variant.
Genome position (GRCh38, 1-based): chr9:92,728,812, T>C on the plus strand (A>G on the coding strand, the complement: BICD2 is on the minus strand). VCF-style: chr9-92728812-T-C. GRCh37 (hg19) VCF-style: chr9-95491094-T-C.
Other names: c.453+212A>G (NM_015250.4).
Identifiers: ClinVar variation 678240 (VCV000678240.1), dbSNP rs2296080, ClinGen allele CA12992837.

ClinVar aggregate classification (germline): Benign (1 of 4 stars; one submission).

Allele frequency attached by ClinVar (database versions not stated): gnomAD 0.26205 and 0.27703; TOPMed 0.27991; 1000 Genomes Project 30x 0.38773; 1000 Genomes Project 0.39736.
gnomAD v4.1: 42,161 of 152,136 alleles (28%); highest among the groups gnomAD compares: East Asian, 76%; 6,922 homozygotes.

Submission:

GeneDx
Classification: Benign. Last evaluated: 2018-06-18. Review status: criteria provided, single submitter. Criteria: GeneDx Variant Classification (06012015). Collection method: clinical testing. Allele origin: germline. Affected: yes.
Comment: This variant is considered likely benign or benign based on one or more of the following criteria: it is a conservative change, it occurs at a poorly conserved position in the protein, it is predicted to be benign by multiple in silico algorithms, and/or has population frequency not consistent with disease.